The following is an entry in ClinVar:

NM_213594.3(RFX4):c.235C>T (p.Arg79Cys)

Genes: RFX4 (regulatory factor X4; plus strand), RFX4-AS1 (RFX4 antisense RNA 1; minus strand). Cytogenetic location: 12q23.3.
Variant type: single nucleotide variant.
Coding change: c.235C>T on transcript NM_213594.3 (MANE Select); coding-DNA position 235, C replaced by T.
Protein change: p.Arg79Cys; replaces arginine 79 with cysteine.
Molecular consequence: missense variant.
Genome position (GRCh38, 1-based): chr12:106,654,271, C>T. VCF-style: chr12-106654271-C-T. GRCh37 (hg19) VCF-style: chr12-107048049-C-T.
Other names: c.262C>T, p.Arg88Cys (NM_001206691.2); short protein forms R79C, R88C.
Identifiers: ClinVar variation 2570844 (VCV002570844.28), dbSNP rs2542502741, ClinGen allele CA386387955.

ClinVar aggregate classification (germline): Uncertain significance. Review status: criteria provided, multiple submitters, no conflicts (2 of 4 stars). 2 submissions from 2 submitters: Uncertain significance (2). Last evaluated 2023-04-01.

Submissions (2):

CeGaT Center for Human Genetics Tuebingen
Classification: Uncertain significance. Last evaluated: 2023-04-01. Review status: criteria provided, single submitter. Criteria: CeGaT Center For Human Genetics Tuebingen Variant Classification Criteria Version 2. Collection method: clinical testing. Allele origin: germline. Affected: yes. Observed: 1 variant allele.
Comment: RFX4: PM2, PM5, PP3

Clinical Genetics Laboratory, Skane University Hospital Lund
Classification: Uncertain significance. Last evaluated: 2023-03-06. Review status: criteria provided, single submitter. Criteria: ACMG Guidelines, 2015. Collection method: clinical testing. Allele origin: germline. Affected: yes.